The following is an entry in ClinVar:

ClinVar aggregate classification (germline): Uncertain significance. Review status: criteria provided, multiple submitters, no conflicts (2 of 4 stars). 2 submissions from 2 submitters: Uncertain significance (2). Last evaluated 2025-12-23.

Conditions:
Catecholaminergic polymorphic ventricular tachycardia (CVPT). Also called: Catecholamine-induced polymorphic ventricular tachycardia. Identifiers: Orphanet 3286, MedGen C5574922, MONDO:0017990.
Catecholaminergic polymorphic ventricular tachycardia 1. Also called: VENTRICULAR TACHYCARDIA, CATECHOLAMINERGIC POLYMORPHIC, 1, WITH OR WITHOUT ATRIAL DYSFUNCTION AND/OR DILATED CARDIOMYOPATHY; RYR2-Related Catecholaminergic Polymorphic Ventricular Tachycardia; VENTRICULAR TACHYCARDIA, STRESS-INDUCED POLYMORPHIC 1. Identifiers: Orphanet 3286, MedGen C1631597, MONDO:0011484, OMIM 604772.

Allele frequency attached by ClinVar (database versions not stated): gnomAD exomes below 0.00001; ExAC 0.00001; gnomAD 0.00001; 1000 Genomes Project 30x 0.00016; 1000 Genomes Project 0.00020.
gnomAD v4.1: 5 of 1,613,718 alleles (0.00031%); highest among the groups gnomAD compares: African/African-American, 0.0013%; no homozygotes.

Submissions (2):

Labcorp Genetics (formerly Invitae), Labcorp
Classification: Uncertain significance for Catecholaminergic polymorphic ventricular tachycardia 1. Last evaluated: 2025-12-23. Review status: criteria provided, single submitter. Criteria: Invitae Variant Classification Sherloc (09022015). Collection method: clinical testing. Allele origin: germline.
Comment: This sequence change replaces aspartic acid, which is acidic and polar, with asparagine, which is neutral and polar, at codon 3347 of the RYR2 protein (p.Asp3347Asn). This variant is present in population databases (rs529077463, gnomAD 0.007%). This variant has not been reported in the literature in individuals affected with RYR2-related conditions. ClinVar contains an entry for this variant (Variation ID: 3071341). Invitae Evidence Modeling of protein sequence and biophysical properties (such as structural, functional, and spatial information, amino acid conservation, physicochemical variation, residue mobility, and thermodynamic stability) indicates that this missense variant is expected to disrupt RYR2 protein function with a positive predictive value of 95%. In summary, the available evidence is currently insufficient to determine the role of this variant in disease. Therefore, it has been classified as a Variant of Uncertain Significance.

All of Us Research Program, National Institutes of Health
Classification: Uncertain significance for Catecholaminergic polymorphic ventricular tachycardia. Last evaluated: 2023-05-31. Review status: criteria provided, single submitter. Criteria: ACMG Guidelines, 2015. Collection method: clinical testing. Allele origin: germline. Inheritance: Autosomal dominant inheritance. Observed: 2 variant alleles, 2 heterozygotes.
Comment: This study involves interpretation of variants in research participants for the purpose of population health screening. Participant phenotype was not available at the time of variant classification. Additional details can be found in publication PMID: 35346344, PMCID: PMC8962531

NM_001035.3(RYR2):c.10039G>A (p.Asp3347Asn)

Gene: RYR2 (ryanodine receptor 2; plus strand). Cytogenetic location: 1q43.
Variant type: single nucleotide variant.
Coding change: c.10039G>A on transcript NM_001035.3 (MANE Select); coding-DNA position 10039, G replaced by A.
Protein change: p.Asp3347Asn; replaces aspartic acid 3347 with asparagine.
Molecular consequence: missense variant.
Genome position (GRCh38, 1-based): chr1:237,708,995, G>A. VCF-style: chr1-237708995-G-A. GRCh37 (hg19) VCF-style: chr1-237872295-G-A.
Other names: short protein forms D3347N.
Identifiers: ClinVar variation 3071341 (VCV003071341.2), dbSNP rs529077463, ClinGen allele CA084099.
Genomic context (GRCh38, chr1:237,708,995, plus strand): 5'-AAGAAAAAGGCAGCTACGGTGGTGTCTGAGGAAGACCACCTGAAAGCTGAGGCCAGGGGG[G>A]ACATGTCGGAGGCAGAACTCCTCATCCTAGATGAGTTCACCACACTGGCCAGAGATCTCT-3'
Protein context (NP_001026.2, residues 3337-3357): EDHLKAEARG[Asp3347Asn]MSEAELLILD